The following is an entry in ClinVar:

NM_001292063.2(OTOG):c.7781_7784dup (p.Tyr2596fs)

Gene: OTOG (otogelin; plus strand). Cytogenetic location: 11p15.1.
Variant type: Microsatellite.
Coding change: c.7781_7784dup on transcript NM_001292063.2 (MANE Select); coding-DNA positions 7781 to 7784, 4 bases duplicated (CTCT; older notation c.7781_7784dupCTCT).
Protein change: p.Tyr2596fs; shifts the reading frame from tyrosine 2596.
Molecular consequence: frameshift variant.
Genome position (GRCh38, 1-based): chr11:17,635,697-17,635,700, CTCT duplicated. VCF-style (leftmost placement, unchanged base first): chr11-17635696-C-CCTCT. GRCh37 (hg19) VCF-style: chr11-17657243-C-CCTCT.
Other names: c.7817_7820dup, p.Tyr2608fs (NM_001277269.2); short protein forms Y2608fs, Y2596fs.
Identifiers: ClinVar variation 1451286 (VCV001451286.6), dbSNP rs2133710981, ClinGen allele CA2580615642.

ClinVar aggregate classification (germline): Pathogenic (1 of 4 stars; one submission).

Submission:

Labcorp Genetics (formerly Invitae), Labcorp
Classification: Pathogenic. Last evaluated: 2024-10-24. Review status: criteria provided, single submitter. Criteria: Invitae Variant Classification Sherloc (09022015). Collection method: clinical testing. Allele origin: germline.
Comment: This sequence change creates a premature translational stop signal (p.Tyr2608Serfs*7) in the OTOG gene. It is expected to result in an absent or disrupted protein product. Loss-of-function variants in OTOG are known to be pathogenic (PMID: 23122587). This variant is not present in population databases (gnomAD no frequency). This variant has not been reported in the literature in individuals affected with OTOG-related conditions. For these reasons, this variant has been classified as Pathogenic.

Literature cited by the submitters: PubMed 23122587.